The following is an entry in ClinVar:

NM_177438.3(DICER1):c.3489G>A (p.Lys1163=)

Gene: DICER1 (dicer 1, ribonuclease III; minus strand). Cytogenetic location: 14q32.13.
Variant type: single nucleotide variant.
Coding change: c.3489G>A on transcript NM_177438.3 (MANE Select); coding-DNA position 3489, G replaced by A.
Protein change: p.Lys1163=; no amino-acid change (lysine 1163 retained).
Molecular consequence: synonymous variant.
Genome position (GRCh38, 1-based): chr14:95,103,907, C>T on the plus strand (G>A on the coding strand, the complement: DICER1 is on the minus strand). VCF-style: chr14-95103907-C-T. GRCh37 (hg19) VCF-style: chr14-95570244-C-T.
Other names: c.3489G>A, p.Lys1163= (NM_001195573.1, NM_001271282.3, NM_001291628.2 and 1 more transcripts).
Identifiers: ClinVar variation 1113823 (VCV001113823.13), dbSNP rs769091854, ClinGen allele CA7331032.

ClinVar aggregate classification (germline): Benign/Likely benign. Review status: criteria provided, multiple submitters, no conflicts (2 of 4 stars). 3 submissions from 3 submitters: Benign (1); Likely benign (2). Last evaluated 2026-08-18.

Conditions:
DICER1-related tumor predisposition. Also called: DICER1-related pleuropulmonary blastoma cancer predisposition syndrome; DICER1 syndrome. Identifiers: Orphanet 284343, MedGen C3839822, MONDO:0100216.
Hereditary cancer-predisposing syndrome. Also called: Hereditary Cancer Syndrome; Hereditary neoplastic syndrome; Neoplastic Syndromes, Hereditary; Tumor predisposition. Identifiers: Orphanet 140162, MedGen C0027672, MeSH D009386, MONDO:0015356.

Allele frequency attached by ClinVar (database versions not stated): gnomAD exomes below 0.00001 and 0.00002; ExAC 0.00001.
gnomAD v4.1: 14 of 1,614,178 alleles (0.00087%); highest among the groups gnomAD compares: East Asian, 0.0022%; no homozygotes.

Submissions (3):

Myriad Genetics, Inc.
Classification: Benign for DICER1-related tumor predisposition. Last evaluated: 2026-08-18. Review status: criteria provided, single submitter. Criteria: Myriad Autosomal Dominant, Autosomal Recessive and X-Linked Classification Criteria (2023). Collection method: clinical testing. Allele origin: unknown.
Comment: This variant is considered benign. This variant is a silent/synonymous amino acid change and it is not expected to impact splicing.

Labcorp Genetics (formerly Invitae), Labcorp
Classification: Likely benign for DICER1-related tumor predisposition. Last evaluated: 2024-06-29. Review status: criteria provided, single submitter. Criteria: Invitae Variant Classification Sherloc (09022015). Collection method: clinical testing. Allele origin: germline.

Ambry Genetics
Classification: Likely benign for Hereditary cancer-predisposing syndrome. Last evaluated: 2022-09-21. Review status: criteria provided, single submitter. Criteria: Ambry Variant Classification Scheme 2023. Collection method: clinical testing. Allele origin: germline.